The following is an entry in ClinVar:

ClinVar aggregate classification (germline): Uncertain significance (1 of 4 stars; one submission).

Submission:

GeneDx
Classification: Uncertain significance. Last evaluated: 2025-05-25. Review status: criteria provided, single submitter. Criteria: GeneDx Variant Classification Process June 2021. Collection method: clinical testing. Allele origin: germline. Affected: yes.
Comment: Not observed at significant frequency in large population cohorts (gnomAD); In silico analysis supports that this missense variant has a deleterious effect on protein structure/function; Has not been previously published as pathogenic or benign to our knowledge

NM_018426.3(TMEM63B):c.694T>C (p.Tyr232His)

Gene: TMEM63B (transmembrane protein 63B; plus strand). Cytogenetic location: 6p21.1.
Variant type: single nucleotide variant.
Coding change: c.694T>C on transcript NM_018426.3 (MANE Select); coding-DNA position 694, T replaced by C.
Protein change: p.Tyr232His; replaces tyrosine 232 with histidine.
Molecular consequence: missense variant.
Genome position (GRCh38, 1-based): chr6:44,140,343, T>C. VCF-style: chr6-44140343-T-C. GRCh37 (hg19) VCF-style: chr6-44108080-T-C.
Other names: c.694T>C, p.Tyr232His (NM_001318792.1); short protein forms Y232H.
Identifiers: ClinVar variation 4532553 (VCV004532553.1).
Genomic context (GRCh38, chr6:44,140,343, plus strand): 5'-GCCTTCCTGTATCTGCTGCTCACCGTCTACAGCATGCGTAGACACACCTCCAAGATGCGC[T>C]ACAAGGAGGATGATCTGGTGCGTGGAGCAGAGCCCAGGTCCTGCCCCATCCCCAGCCTCT-3'
Protein context (NP_060896.1, residues 222-242): SMRRHTSKMR[Tyr232His]KEDDLVKRTL